The following is an entry in ClinVar:

ClinVar aggregate classification (germline): Uncertain significance (0 of 4 stars; one submission).

Conditions:
NCKAP1-related disorder. Also called: NCKAP1-related condition.

Allele frequency attached by ClinVar (database versions not stated): gnomAD exomes below 0.00001; gnomAD 0.00001; TOPMed 0.00001.
gnomAD v4.1: 4 of 1,610,792 alleles (0.00025%); highest among the groups gnomAD compares: Non-Finnish European, 0.00034%; no homozygotes.

Submission:

PreventionGenetics, part of Exact Sciences
Classification: Uncertain significance for NCKAP1-related condition. Last evaluated: 2023-12-08. Review status: no assertion criteria provided. Collection method: clinical testing. Allele origin: germline.
Comment: The NCKAP1 c.2495A>G variant is predicted to result in the amino acid substitution p.Asn832Ser. To our knowledge, this variant has not been reported in the literature. This variant is reported in 0.00089% of alleles in individuals of European (Non-Finnish) descent in gnomAD. At this time, the clinical significance of this variant is uncertain due to the absence of conclusive functional and genetic evidence.

NM_013436.5(NCKAP1):c.2477A>G (p.Asn826Ser)

Gene: NCKAP1 (NCK associated protein 1; minus strand). Cytogenetic location: 2q32.1.
Variant type: single nucleotide variant.
Coding change: c.2477A>G on transcript NM_013436.5 (MANE Select); coding-DNA position 2477, A replaced by G.
Protein change: p.Asn826Ser; replaces asparagine 826 with serine.
Molecular consequence: missense variant.
Genome position (GRCh38, 1-based): chr2:182,952,819, T>C on the plus strand (A>G on the coding strand, the complement: NCKAP1 is on the minus strand). VCF-style: chr2-182952819-T-C. GRCh37 (hg19) VCF-style: chr2-183817547-T-C.
Other names: c.2495A>G, p.Asn832Ser (NM_205842.3); short protein forms N826S, N832S.
Identifiers: ClinVar variation 2635046 (VCV002635046.3), dbSNP rs1476633029, ClinGen allele CA349757196.
Genomic context (GRCh38, chr2:182,952,819, plus strand): 5'-TTCATTCTCTAAACTGTGGTATAGTACTATTCACCTGATATGTCAGAATATTCCTCTGCA[T>C]TGAATGTTAATTCATTTTCTGTAGGTAAGTTCACAAACGCTTTCATTGCAGGAAAATATG-3'
Protein context (NP_038464.1, residues 816-836): NLPTENELTF[Asn826Ser]AEEYSDISEM